The following is an entry in ClinVar:

ClinVar aggregate classification (germline): Conflicting classifications of pathogenicity. Review status: criteria provided, conflicting classifications (1 of 4 stars). 5 submissions from 5 submitters: Uncertain significance (1); Benign (1); Likely benign (1). 2 of the submissions do not count toward it. Last evaluated 2025-02-16.

Conditions:
Intellectual developmental disorder, autosomal dominant 33. Also called: Intellectual disability, autosomal dominant 33. Identifiers: MedGen C4225375, MONDO:0014580, OMIM 616311.
Ventricular fibrillation, paroxysmal familial, 2 (VF2). Identifiers: Orphanet 228140, MedGen C2751829, MONDO:0013063, OMIM 612956.

Submissions (5):

Laboratory of Genetics, Children's Clinical University Hospital Latvia
Classification: Benign. Last evaluated: 2025-02-16. Review status: criteria provided, single submitter. Criteria: ACMG Guidelines, 2015. Collection method: clinical testing. Allele origin: germline. Affected: yes.

CeGaT Center for Human Genetics Tuebingen
Classification: Likely benign. Last evaluated: 2024-11-01. Review status: criteria provided, single submitter. Criteria: CeGaT Center For Human Genetics Tuebingen Variant Classification Criteria Version 2. Collection method: clinical testing. Allele origin: germline. Affected: yes. Observed: 5 variant alleles.
Comment: DPP6: BP3, BS2

Department of Pathology and Laboratory Medicine, Sinai Health System
Classification: Uncertain significance for Intellectual developmental disorder, autosomal dominant 33; Ventricular fibrillation, paroxysmal familial, 2. Last evaluated: 2023-01-13. Review status: criteria provided, single submitter. Criteria: ACMG Guidelines, 2015. Collection method: research. Allele origin: germline.

Clinical Genetics DNA and cytogenetics Diagnostics Lab, Erasmus MC, Erasmus Medical Center
Classification: Likely benign. Review status: no assertion criteria provided. Collection method: clinical testing. Allele origin: germline. Affected: yes. Study: VKGL Data-share Consensus. Not counted in ClinVar's aggregate classification.

Joint Genome Diagnostic Labs from Nijmegen and Maastricht, Radboudumc and MUMC+
Classification: Benign. Review status: no assertion criteria provided. Collection method: clinical testing. Allele origin: germline. Affected: yes. Study: VKGL Data-share Consensus. Not counted in ClinVar's aggregate classification.

NM_130797.4(DPP6):c.167GCG[8] (p.Gly62dup)

Gene: DPP6 (dipeptidyl peptidase like 6; plus strand). Cytogenetic location: 7q36.2.
Variant type: Microsatellite.
Coding change: c.167GCG[8] on transcript NM_130797.4 (MANE Select); eight copies in a row of the 3-base unit GCG starting at c.167; the reference has seven copies in a row; one copy, 3 bases duplicated.
Protein change: p.Gly62dup; duplicates glycine 62.
Molecular consequence: inframe insertion. On other transcripts: intron variant (6).
Genome position (GRCh38, 1-based): chr7:154,053,005-154,053,007, GCG duplicated; duplicating any 3 consecutive bases within chr7:154,052,987-154,053,007 gives the same sequence; the position shown is the placement nearest the transcript's 3' end. VCF-style (leftmost placement, unchanged base first): chr7-154052986-C-CGCG. GRCh37 (hg19) VCF-style: chr7-153750071-C-CGCG.
Other names: c.167GCG[8], p.Gly62dup (NM_001290253.2); c.60+303979GCG[8] (NM_001364500.2, NM_001364499.2, NM_001364497.2 and 1 more transcripts); c.51+165253GCG[8] (NM_001364501.2, NM_001039350.3).
Identifiers: ClinVar variation 810229 (VCV000810229.40), dbSNP rs926747893, ClinGen allele CA458822600.
Genomic context (GRCh38, chr7:154,052,986, plus strand): 5'-GACGGCGGCGCAGGAGCCAAGCCCCTCGGCCCGCGGGCGCAGGCGGCGGCGCCCCGGGAG[C>CGCG]GCGGCGGCGGCGGCGGCGGCGCGGGTGGCCGGCCCCGGTTCCAGTACCAGGCGCGGAGCG-3'